The following is an entry in ClinVar:

NM_000138.5(FBN1):c.3623G>T (p.Cys1208Phe)

Gene: FBN1 (fibrillin 1; minus strand). Cytogenetic location: 15q21.1.
Variant type: single nucleotide variant.
Coding change: c.3623G>T on transcript NM_000138.5 (MANE Select); coding-DNA position 3623, G replaced by T.
Protein change: p.Cys1208Phe; replaces cysteine 1208 with phenylalanine.
Molecular consequence: missense variant.
Genome position (GRCh38, 1-based): chr15:48,485,463, C>A on the plus strand (G>T on the coding strand, the complement: FBN1 is on the minus strand). VCF-style: chr15-48485463-C-A. GRCh37 (hg19) VCF-style: chr15-48777660-C-A.
Other names: short protein forms C1208F.
Identifiers: ClinVar variation 519748 (VCV000519748.14), dbSNP rs1555398406, ClinGen allele CA392324601.

ClinVar aggregate classification (germline): Pathogenic/Likely pathogenic. Review status: criteria provided, multiple submitters, no conflicts (2 of 4 stars). 3 submissions from 3 submitters: Pathogenic (1); Likely pathogenic (1). 1 of the submissions does not count toward it. Last evaluated 2020-09-09.

Conditions:
Familial thoracic aortic aneurysm and aortic dissection (TAAD). Also called: Thoracic aortic aneurysms and dissections. Identifiers: Orphanet 91387, MedGen C4707243, MONDO:0019625.
Marfan syndrome (MFS). Also called: Marfan syndrome type 1; Marfan syndrome, classic; Marfan's syndrome; FBN1-Related Marfan Syndrome; MARFAN SYNDROME, TYPE I. Identifiers: Orphanet 284963, Orphanet 558, MedGen C0024796, MONDO:0007947, OMIM 154700.

Submissions (3):

Labcorp Genetics (formerly Invitae), Labcorp
Classification: Likely pathogenic for Marfan syndrome; Familial thoracic aortic aneurysm and aortic dissection. Last evaluated: 2020-09-09. Review status: criteria provided, single submitter. Criteria: Invitae Variant Classification Sherloc (09022015). Collection method: clinical testing. Allele origin: germline.
Comment: In summary, the currently available evidence indicates that the variant is pathogenic, but additional data are needed to prove that conclusively. Therefore, this variant has been classified as Likely Pathogenic. This variant affects a cysteine residue in the EGF-like, TGFBP or hybrid motif domains of FBN1. Cysteine residues are believed to be involved in intramolecular disulfide bridges and have been shown to be important for FBN1 protein structure (PMID: 16905551, 19349279). In addition, missense substitutions affecting cysteine residues within these domains are significantly overrepresented among patients with Marfan syndrome (PMID: 16571647, 17701892). This variant has been observed in individual(s) with clinical features of Marfan syndrome (Invitae). ClinVar contains an entry for this variant (Variation ID: 519748). This variant is not present in population databases (ExAC no frequency). This sequence change replaces cysteine with phenylalanine at codon 1208 of the FBN1 protein (p.Cys1208Phe). The cysteine residue is highly conserved and there is a large physicochemical difference between cysteine and phenylalanine. Advanced modeling of protein sequence and biophysical properties (such as structural, functional, and spatial information, amino acid conservation, physicochemical variation, residue mobility, and thermodynamic stability) performed at Invitae indicates that this missense variant is expected to disrupt FBN1 protein function.

Ambry Genetics
Classification: Pathogenic for Familial thoracic aortic aneurysm and aortic dissection. Last evaluated: 2016-12-22. Review status: criteria provided, single submitter. Criteria: Ambry Variant Classification Scheme 2023. Collection method: clinical testing. Allele origin: germline.
Comment: The p.C1208F pathogenic mutation (also known as c.3623G>T), located in coding exon 29 of the FBN1 gene, results from a G to T substitution at nucleotide position 3623. The cysteine at codon 1208 is replaced by phenylalanine, an amino acid with highly dissimilar properties, and is located in a cb EGF-like domain. This alteration has been determined to be the result of a de novo mutation or germline mosaicism in one family with an isolated case of early onset Marfan syndrome (MFS). Mutations in exons 24-32 of the FBN1 gene have been reported at higher proportions in cases of neonatal MFS and in children with suspected MFS compared to adults with the condition (Robinson PN et al. J. Med. Genet., 2006 Oct;43:769-87; Tiecke F et al. Eur. J. Hum. Genet., 2001 Jan;9:13-21; Faivre L et al. Pediatrics, 2009 Jan;123:391-8). The majority of FBN1 mutations identified to date have involved the substitution or generation of cysteine residues within cbEGF domains (Vollbrandt T et al. J Biol Chem. 2004;279(31):32924-32931). Based on the supporting evidence, this alteration is interpreted as a disease-causing mutation.

Center for Medical Genetics Ghent, University of Ghent
Classification: Likely pathogenic for Marfan syndrome. Last evaluated: 2017-11-07. Review status: no assertion criteria provided. Collection method: clinical testing. Allele origin: germline. Affected: yes. Not counted in ClinVar's aggregate classification.

Literature cited by the submitters: PubMed 16905551 (cited by Labcorp Genetics (formerly Invitae), Labcorp); PubMed 19349279 (cited by Labcorp Genetics (formerly Invitae), Labcorp); PubMed 16571647 (cited by Labcorp Genetics (formerly Invitae), Labcorp and Ambry Genetics); PubMed 17701892 (cited by Labcorp Genetics (formerly Invitae), Labcorp); PubMed 11175294 (cited by Ambry Genetics); PubMed 19117906 (cited by Ambry Genetics); PubMed 8136837 (cited by Ambry Genetics).